The following is an entry in ClinVar:

ClinVar aggregate classification (germline): Uncertain significance. Review status: criteria provided, multiple submitters, no conflicts (2 of 4 stars). 2 submissions from 2 submitters: Uncertain significance (2). Last evaluated 2024-03-07.

Conditions:
Medulloblastoma (MDB). Also called: Medulloblastoma, somatic; MEDULLOBLASTOMA PREDISPOSITION SYNDROME. Identifiers: Orphanet 616, MedGen C0025149, MeSH D008527, MONDO:0007959, OMIM 155255, HP:0002885.
Familial dysautonomia. Also called: FD; HSAN III. Identifiers: Orphanet 1764, MedGen C0013364, MONDO:0009131, OMIM 223900. Disease mechanism: loss of function.

Allele frequency attached by ClinVar (database versions not stated): TOPMed below 0.00001; gnomAD 0.00001.
gnomAD v4.1: 2 of 1,614,114 alleles (0.00012%); highest among the groups gnomAD compares: Non-Finnish European, 0.00017%; no homozygotes.

Submissions (2):

Fulgent Genetics
Classification: Uncertain significance for Medulloblastoma; Familial dysautonomia. Last evaluated: 2024-03-07. Review status: criteria provided, single submitter. Criteria: ACMG Guidelines, 2015. Collection method: clinical testing. Allele origin: germline.

Labcorp Genetics (formerly Invitae), Labcorp
Classification: Uncertain significance. Last evaluated: 2021-08-30. Review status: criteria provided, single submitter. Criteria: Invitae Variant Classification Sherloc (09022015). Collection method: clinical testing. Allele origin: germline.
Comment: This sequence change replaces leucine with phenylalanine at codon 1032 of the ELP1 protein (p.Leu1032Phe). The leucine residue is moderately conserved and there is a small physicochemical difference between leucine and phenylalanine. This variant is not present in population databases (ExAC no frequency). This variant has not been reported in the literature in individuals affected with ELP1-related conditions. Algorithms developed to predict the effect of missense changes on protein structure and function output the following: SIFT: "Tolerated"; PolyPhen-2: "Benign"; Align-GVGD: "Class C0". The phenylalanine amino acid residue is found in multiple mammalian species, which suggests that this missense change does not adversely affect protein function. In summary, the available evidence is currently insufficient to determine the role of this variant in disease. Therefore, it has been classified as a Variant of Uncertain Significance.

NM_003640.5(ELP1):c.3094C>T (p.Leu1032Phe)

Gene: ELP1 (elongator acetyltransferase complex subunit 1; minus strand). Cytogenetic location: 9q31.3.
Variant type: single nucleotide variant.
Coding change: c.3094C>T on transcript NM_003640.5 (MANE Select); coding-DNA position 3094, C replaced by T.
Protein change: p.Leu1032Phe; replaces leucine 1032 with phenylalanine.
Molecular consequence: missense variant.
Genome position (GRCh38, 1-based): chr9:108,891,269, G>A on the plus strand (C>T on the coding strand, the complement: ELP1 is on the minus strand). VCF-style: chr9-108891269-G-A. GRCh37 (hg19) VCF-style: chr9-111653549-G-A.
Other names: c.2752C>T, p.Leu918Phe (NM_001318360.2); c.2047C>T, p.Leu683Phe (NM_001330749.2); short protein forms L1032F, L918F, L683F.
Identifiers: ClinVar variation 1469920 (VCV001469920.6), dbSNP rs774427341, ClinGen allele CA197529990.